The following is an entry in ClinVar:

NM_003221.4(TFAP2B):c.1097A>C (p.Glu366Ala)

Gene: TFAP2B (transcription factor AP-2 beta; plus strand). Cytogenetic location: 6p12.3.
Variant type: single nucleotide variant.
Coding change: c.1097A>C on transcript NM_003221.4 (MANE Select); coding-DNA position 1097, A replaced by C.
Protein change: p.Glu366Ala; replaces glutamic acid 366 with alanine.
Molecular consequence: missense variant.
Genome position (GRCh38, 1-based): chr6:50,843,106, A>C. VCF-style: chr6-50843106-A-C. GRCh37 (hg19) VCF-style: chr6-50810819-A-C.
Other names: short protein forms E366A.
Identifiers: ClinVar variation 3731071 (VCV003731071.1).
Genomic context (GRCh38, chr6:50,843,106, plus strand): 5'-AACGACACTGAGGGTGATTTTCTGTGCCTCGCCCACCCCTTTGCAGGCAACTTTGTAAAG[A>C]ATTTACGGATCTACTGGCGCAGGACCGGACACCGATAGGGAACAGCCGACCCAGCCCCAT-3'
Protein context (NP_003212.2, residues 356-376): MLLATKQLCK[Glu366Ala]FTDLLAQDRT

ClinVar aggregate classification (germline): Uncertain significance (1 of 4 stars; one submission).

Submission:

GeneDx
Classification: Uncertain significance. Last evaluated: 2024-08-12. Review status: criteria provided, single submitter. Criteria: GeneDx Variant Classification Process June 2021. Collection method: clinical testing. Allele origin: germline. Affected: yes.
Comment: Not observed at significant frequency in large population cohorts (gnomAD); In silico analysis supports that this missense variant has a deleterious effect on protein structure/function; Has not been previously published as pathogenic or benign to our knowledge